The following is an entry in ClinVar:

ClinVar aggregate classification (germline): Uncertain significance (1 of 4 stars; one submission).

Conditions:
Malignant hyperthermia, susceptibility to, 5 (MHS5). Also called: CACNA1S-Related Malignant Hyperthermia Susceptibility. Identifiers: Orphanet 423, MedGen C1866077, MONDO:0011163, OMIM 601887.

Submission:

Color Diagnostics, LLC DBA Color Health
Classification: Uncertain significance for Malignant hyperthermia, susceptibility to, 5. Last evaluated: 2025-06-29. Review status: criteria provided, single submitter. Criteria: ACMG Guidelines, 2015. Collection method: clinical testing. Allele origin: germline.
Comment: This missense variant replaces glutamic acid with aspartic acid at codon 100 of the CACNA1S protein. Computational prediction suggests that this variant may have deleterious impact on protein structure and function. To our knowledge, functional studies have not been reported for this variant. This variant has not been reported in individuals affected with CACNA1S-related disorders in the literature. This variant has not been identified in the general population by the Genome Aggregation Database (gnomAD). The available evidence is insufficient to determine the role of this variant in disease conclusively. Therefore, this variant is classified as a Variant of Uncertain Significance.

NM_000069.3(CACNA1S):c.300A>T (p.Glu100Asp)

Gene: CACNA1S (calcium voltage-gated channel subunit alpha1 S; minus strand). Cytogenetic location: 1q32.1.
Variant type: single nucleotide variant.
Coding change: c.300A>T on transcript NM_000069.3 (MANE Select); coding-DNA position 300, A replaced by T.
Protein change: p.Glu100Asp; replaces glutamic acid 100 with aspartic acid.
Molecular consequence: missense variant.
Genome position (GRCh38, 1-based): chr1:201,093,980, T>A on the plus strand (A>T on the coding strand, the complement: CACNA1S is on the minus strand). VCF-style: chr1-201093980-T-A. GRCh37 (hg19) VCF-style: chr1-201063108-T-A.
Other names: short protein forms E100D.
Identifiers: ClinVar variation 4757173 (VCV004757173.1).